The following is an entry in ClinVar:

ClinVar aggregate classification (germline): Uncertain significance (1 of 4 stars; one submission).

Conditions:
Dilated cardiomyopathy 1JJ (CMD1JJ). Identifiers: Orphanet 154, MedGen C3808935, MONDO:0014095, OMIM 615235.

Allele frequency attached by ClinVar (database versions not stated): ESP Exome Variant Server 0.00008; TOPMed 0.00001.
gnomAD v4.1: 2 of 1,613,834 alleles (0.00012%); highest among the groups gnomAD compares: Non-Finnish European, 0.00017%; no homozygotes.

Submission:

Labcorp Genetics (formerly Invitae), Labcorp
Classification: Uncertain significance for Dilated cardiomyopathy 1JJ. Last evaluated: 2022-08-09. Review status: criteria provided, single submitter. Criteria: Invitae Variant Classification Sherloc (09022015). Collection method: clinical testing. Allele origin: germline.
Comment: In summary, the available evidence is currently insufficient to determine the role of this variant in disease. Therefore, it has been classified as a Variant of Uncertain Significance. This sequence change replaces arginine, which is basic and polar, with glycine, which is neutral and non-polar, at codon 799 of the LAMA4 protein (p.Arg799Gly). The frequency data for this variant in the population databases is considered unreliable, as metrics indicate poor data quality at this position in the gnomAD database. This variant has not been reported in the literature in individuals affected with LAMA4-related conditions. ClinVar contains an entry for this variant (Variation ID: 661032). Algorithms developed to predict the effect of missense changes on protein structure and function (SIFT, PolyPhen-2, Align-GVGD) all suggest that this variant is likely to be tolerated.

NM_001105206.3(LAMA4):c.2416C>G (p.Arg806Gly)

Gene: LAMA4 (laminin subunit alpha 4; minus strand). Cytogenetic location: 6q21.
Variant type: single nucleotide variant.
Coding change: c.2416C>G on transcript NM_001105206.3 (MANE Select); coding-DNA position 2416, C replaced by G.
Protein change: p.Arg806Gly; replaces arginine 806 with glycine.
Molecular consequence: missense variant.
Genome position (GRCh38, 1-based): chr6:112,144,871, G>C on the plus strand (C>G on the coding strand, the complement: LAMA4 is on the minus strand). VCF-style: chr6-112144871-G-C. GRCh37 (hg19) VCF-style: chr6-112466073-G-C.
Other names: c.2395C>G, p.Arg799Gly (NM_001105207.3, NM_002290.5); short protein forms R799G, R806G.
Identifiers: ClinVar variation 661032 (VCV000661032.8), dbSNP rs373382793, ClinGen allele CA3965484.